The following is an entry in ClinVar:

NM_001377.3(DYNC2H1):c.4043_4059del (p.Lys1348fs)

Gene: DYNC2H1 (dynein cytoplasmic 2 heavy chain 1; plus strand). Cytogenetic location: 11q22.3.
Variant type: Deletion.
Coding change: c.4043_4059del on transcript NM_001377.3 (MANE Select); coding-DNA positions 4043 to 4059, 17 bases deleted (AGTGGGTGTATTTGGAA).
Protein change: p.Lys1348fs; shifts the reading frame from lysine 1348.
Molecular consequence: frameshift variant.
Genome position (GRCh38, 1-based): chr11:103,156,686-103,156,702, AGTGGGTGTATTTGGAA deleted; deleting any 17 consecutive bases within chr11:103,156,683-103,156,702 gives the same sequence; the c. name uses the placement nearest the transcript's 3' end. VCF-style (leftmost placement, unchanged base first): chr11-103156682-AGAAAGTGGGTGTATTTG-A. GRCh37 (hg19) VCF-style: chr11-103027411-AGAAAGTGGGTGTATTTG-A.
Other names: c.4043_4059del, p.Lys1348fs (NM_001080463.2); short protein forms K1348fs.
Identifiers: ClinVar variation 5038015 (VCV005038015.2).

ClinVar aggregate classification (germline): Likely pathogenic (1 of 4 stars; one submission).

Conditions:
Asphyxiating thoracic dystrophy 3. Also called: POLYDACTYLY WITH NEONATAL CHONDRODYSTROPHY, TYPE I; SHORT-RIB THORACIC DYSPLASIA 3/6 WITH POLYDACTYLY, DIGENIC; SHORT-RIB THORACIC DYSPLASIA 3 WITH OR WITHOUT POLYDACTYLY; Saldino-Noonan Syndrome; Short rib polydactyly syndrome 2B. Identifiers: Orphanet 474, Orphanet 93269, Orphanet 93270, Orphanet 93271, MedGen C0036069, MONDO:0013127, OMIM 613091.

Submission:

Juno Genomics, Hangzhou Juno Genomics, Inc
Classification: Likely pathogenic for Asphyxiating thoracic dystrophy 3. Review status: criteria provided, single submitter. Criteria: ACMG Guidelines, 2015. Collection method: clinical testing. Allele origin: germline.
Comment: Null variant in a gene where loss of function (LOF) is a known mechanism of disease.;Absent from controls (or at extremely low frequency if recessive) in Genome Aggregation Database.